The following is an entry in ClinVar:

NM_002454.3(MTRR):c.132T>A (p.Tyr44Ter)

Gene: MTRR (5-methyltetrahydrofolate-homocysteine methyltransferase reductase; plus strand). Cytogenetic location: 5p15.31.
Variant type: single nucleotide variant.
Coding change: c.132T>A on transcript NM_002454.3 (MANE Select); coding-DNA position 132, T replaced by A.
Protein change: p.Tyr44Ter; replaces tyrosine 44 with a stop codon.
Molecular consequence: nonsense. On other transcripts: non-coding transcript variant (8).
Genome position (GRCh38, 1-based): chr5:7,873,375, T>A. VCF-style: chr5-7873375-T-A. GRCh37 (hg19) VCF-style: chr5-7873488-T-A.
Other names: c.132T>A, p.Tyr44Ter (NM_001364440.2, NM_001364441.2, NM_001364442.2 and 1 more transcripts); short protein forms Y44*.
Identifiers: ClinVar variation 2963186 (VCV002963186.3), dbSNP rs146940932, ClinGen allele CA359156069.

ClinVar aggregate classification (germline): Pathogenic (1 of 4 stars; one submission).

Conditions:
Methylcobalamin deficiency type cblE (HMAE). Also called: HOMOCYSTINURIA-MEGALOBLASTIC ANEMIA, cblE COMPLEMENTATION TYPE; HOMOCYSTINURIA-MEGALOBLASTIC ANEMIA, cblE TYPE; VITAMIN B12-RESPONSIVE HOMOCYSTINURIA, cblE TYPE. Identifiers: Orphanet 2169, Orphanet 622, MedGen C1856057, MONDO:0009354, OMIM 236270.

Submission:

Labcorp Genetics (formerly Invitae), Labcorp
Classification: Pathogenic for Methylcobalamin deficiency type cblE. Last evaluated: 2023-07-28. Review status: criteria provided, single submitter. Criteria: Invitae Variant Classification Sherloc (09022015). Collection method: clinical testing. Allele origin: germline.
Comment: This sequence change creates a premature translational stop signal (p.Tyr44*) in the MTRR gene. It is expected to result in an absent or disrupted protein product. Loss-of-function variants in MTRR are known to be pathogenic (PMID: 15714522). This variant is not present in population databases (gnomAD no frequency). This variant has not been reported in the literature in individuals affected with MTRR-related conditions. Algorithms developed to predict the effect of sequence changes on RNA splicing suggest that this variant may disrupt the consensus splice site. For these reasons, this variant has been classified as Pathogenic.

Literature cited by the submitters: PubMed 15714522.